The following is an entry in ClinVar:

ClinVar aggregate classification (germline): Conflicting classifications of pathogenicity. Review status: criteria provided, conflicting classifications (1 of 4 stars). 2 submissions from 2 submitters: Uncertain significance (1); Likely benign (1). Last evaluated 2025-06-19.

Conditions:
Inborn genetic diseases. Identifiers: MedGen C0950123, MeSH D030342.

Allele frequency attached by ClinVar (database versions not stated): ExAC 0.00005.

Submissions (2):

Ambry Genetics
Classification: Likely benign for Inborn genetic diseases. Last evaluated: 2025-06-19. Review status: criteria provided, single submitter. Criteria: Ambry Variant Classification Scheme 2023. Collection method: clinical testing. Allele origin: germline.

Labcorp Genetics (formerly Invitae), Labcorp
Classification: Uncertain significance. Last evaluated: 2024-10-10. Review status: criteria provided, single submitter. Criteria: Invitae Variant Classification Sherloc (09022015). Collection method: clinical testing. Allele origin: germline.
Comment: This sequence change replaces methionine, which is neutral and non-polar, with isoleucine, which is neutral and non-polar, at codon 1046 of the MAGEL2 protein (p.Met1046Ile). This variant is present in population databases (rs750090677, gnomAD 0.009%). This variant has not been reported in the literature in individuals affected with MAGEL2-related conditions. ClinVar contains an entry for this variant (Variation ID: 1948052). Invitae Evidence Modeling of protein sequence and biophysical properties (such as structural, functional, and spatial information, amino acid conservation, physicochemical variation, residue mobility, and thermodynamic stability) has been performed for this missense variant. However, the output from this modeling did not meet the statistical confidence thresholds required to predict the impact of this variant on MAGEL2 protein function. In summary, the available evidence is currently insufficient to determine the role of this variant in disease. Therefore, it has been classified as a Variant of Uncertain Significance.

NM_019066.5(MAGEL2):c.3138G>A (p.Met1046Ile)

Gene: MAGEL2 (MAGE family member L2; minus strand). Cytogenetic location: 15q11.2.
Variant type: single nucleotide variant.
Coding change: c.3138G>A on transcript NM_019066.5 (MANE Select); coding-DNA position 3138, G replaced by A.
Protein change: p.Met1046Ile; replaces methionine 1046 with isoleucine.
Molecular consequence: missense variant.
Genome position (GRCh38, 1-based): chr15:23,644,605, C>T on the plus strand (G>A on the coding strand, the complement: MAGEL2 is on the minus strand). VCF-style: chr15-23644605-C-T. GRCh37 (hg19) VCF-style: chr15-23889752-C-T.
Other names: c.3138G>A (NM_019066.4); short protein forms M1046I.
Identifiers: ClinVar variation 1948052 (VCV001948052.6), dbSNP rs750090677, ClinGen allele CA7429738.
Genomic context (GRCh38, chr15:23,644,605, plus strand): 5'-GTTGGCACGGTTGATGATATCTAAGCACTCATCTTTATACTCTCGGAGGATGACTTTCAC[C>T]ATCTCCGAGCGCTGGACAGGCACCTTGGCTTGGTCCTTGACTAAGAGGAACTGCACCAAC-3'
Protein context (NP_061939.3, residues 1036-1056): QAKVPVQRSE[Met1046Ile]VKVILREYKD